The following is an entry in ClinVar:

ClinVar aggregate classification (germline): Likely pathogenic (1 of 4 stars; one submission).

Conditions:
CACNA1B-related disorder. Also called: CACNA1B-related condition.

Submission:

PreventionGenetics, part of Exact Sciences
Classification: Likely pathogenic for CACNA1B-related condition. Last evaluated: 2026-04-15. Review status: criteria provided, single submitter. Criteria: ACMG Guidelines, 2015. Collection method: clinical testing. Allele origin: germline.
Comment: The CACNA1B c.3710+1G>T variant is predicted to disrupt the GT donor site and interfere with normal splicing. To our knowledge, this variant has not been reported in the literature or in a large population database (gnomAD), indicating this variant is rare. Variants that disrupt the consensus splice donor site in CACNA1B are expected to be pathogenic. This variant is interpreted as likely pathogenic.

NM_000718.4(CACNA1B):c.3710+1G>T

Gene: CACNA1B (calcium voltage-gated channel subunit alpha1 B; plus strand). Cytogenetic location: 9q34.3.
Variant type: single nucleotide variant.
Coding change: c.3710+1G>T on transcript NM_000718.4 (MANE Select); the canonical splice donor site of the intron after coding-DNA position 3710, G replaced by T.
Molecular consequence: splice donor variant.
Genome position (GRCh38, 1-based): chr9:138,049,316, G>T. VCF-style: chr9-138049316-G-T. GRCh37 (hg19) VCF-style: chr9-140943768-G-T.
Other names: c.3710+1G>T (NM_001243812.2).
Identifiers: ClinVar variation 4992564 (VCV004992564.1).
Genomic context (GRCh38, chr9:138,049,316, plus strand): 5'-CTTGTGGAACATTCTGGACTTCATTGTGGTCAGTGGCGCCCTGGTGGCGTTTGCTTTCTC[G>T]TAAGTAACGTTCGCTCTGCTCTGGCTAGGGAGAGCCCCCAGAATCACGATGGGCGTGAGG-3'